The following is an entry in ClinVar:

ClinVar aggregate classification (germline): Uncertain significance (1 of 4 stars; one submission).

Submission:

Labcorp Genetics (formerly Invitae), Labcorp
Classification: Uncertain significance. Last evaluated: 2021-11-16. Review status: criteria provided, single submitter. Criteria: Invitae Variant Classification Sherloc (09022015). Collection method: clinical testing. Allele origin: germline.
Comment: In summary, the available evidence is currently insufficient to determine the role of this variant in disease. Therefore, it has been classified as a Variant of Uncertain Significance. Algorithms developed to predict the effect of sequence changes on RNA splicing suggest that this variant may create or strengthen a splice site. Algorithms developed to predict the effect of missense changes on protein structure and function are either unavailable or do not agree on the potential impact of this missense change (SIFT: "Deleterious"; PolyPhen-2: "Probably Damaging"; Align-GVGD: "Class C15"). This variant has not been reported in the literature in individuals affected with DTNBP1-related conditions. This variant is not present in population databases (gnomAD no frequency). This sequence change replaces glutamic acid, which is acidic and polar, with valine, which is neutral and non-polar, at codon 201 of the DTNBP1 protein (p.Glu201Val).

NM_032122.5(DTNBP1):c.602A>T (p.Glu201Val)

Gene: DTNBP1 (dystrobrevin binding protein 1; minus strand). Cytogenetic location: 6p22.3.
Variant type: single nucleotide variant.
Coding change: c.602A>T on transcript NM_032122.5 (MANE Select); coding-DNA position 602, A replaced by T.
Protein change: p.Glu201Val; replaces glutamic acid 201 with valine.
Molecular consequence: missense variant. On other transcripts: non-coding transcript variant (1).
Genome position (GRCh38, 1-based): chr6:15,533,305, T>A on the plus strand (A>T on the coding strand, the complement: DTNBP1 is on the minus strand). VCF-style: chr6-15533305-T-A. GRCh37 (hg19) VCF-style: chr6-15533536-T-A.
Other names: c.359A>T, p.Glu120Val (NM_001271667.2); c.551A>T, p.Glu184Val (NM_001271668.2); c.497A>T, p.Glu166Val (NM_001271669.2); c.602A>T, p.Glu201Val (NM_183040.2); short protein forms E201V, E166V, E120V, E184V.
Identifiers: ClinVar variation 1444559 (VCV001444559.6), dbSNP rs2127797924, ClinGen allele CA362806917.
Genomic context (GRCh38, chr6:15,533,305, plus strand): 5'-CGCTCTGCAATCTGCAGGTAGCCAGTGGACAGGTACTGCTCCATGTCCTGCTGGAAGGCT[T>A]CCTCAAAAAACTTCTGCCGCTCCTTCAGCTTCATTTGCTGGGTGTGCTCCATTTCCAGGA-3'
Protein context (NP_115498.2, residues 191-211): KLKERQKFFE[Glu201Val]AFQQDMEQYL